The following is an entry in ClinVar:

ClinVar aggregate classification (germline): Uncertain significance. Review status: criteria provided, multiple submitters, no conflicts (2 of 4 stars). 2 submissions from 2 submitters: Uncertain significance (2). Last evaluated 2025-11-26.

Conditions:
Hereditary cancer-predisposing syndrome. Also called: Tumor predisposition; Neoplastic Syndromes, Hereditary; Hereditary Cancer Syndrome; Hereditary neoplastic syndrome. Identifiers: Orphanet 140162, MedGen C0027672, MeSH D009386, MONDO:0015356.

Submissions (2):

Ambry Genetics
Classification: Uncertain significance for Hereditary cancer-predisposing syndrome. Last evaluated: 2025-11-26. Review status: criteria provided, single submitter. Criteria: Ambry Variant Classification Scheme 2023. Collection method: clinical testing. Allele origin: germline.
Comment: The p.I262T variant (also known as c.785T>C), located in coding exon 2 of the HOXB13 gene, results from a T to C substitution at nucleotide position 785. The isoleucine at codon 262 is replaced by threonine, an amino acid with similar properties. This amino acid position is conserved. In addition, this alteration is predicted to be deleterious by in silico analysis. Based on the available evidence, the clinical significance of this variant remains unclear.

Labcorp Genetics (formerly Invitae), Labcorp
Classification: Uncertain significance. Last evaluated: 2024-02-12. Review status: criteria provided, single submitter. Criteria: Invitae Variant Classification Sherloc (09022015). Collection method: clinical testing. Allele origin: germline.
Comment: This sequence change replaces isoleucine, which is neutral and non-polar, with threonine, which is neutral and polar, at codon 262 of the HOXB13 protein (p.Ile262Thr). This variant is not present in population databases (gnomAD no frequency). This variant has not been reported in the literature in individuals affected with HOXB13-related conditions. ClinVar contains an entry for this variant (Variation ID: 1383323). Advanced modeling of protein sequence and biophysical properties (such as structural, functional, and spatial information, amino acid conservation, physicochemical variation, residue mobility, and thermodynamic stability) performed at Invitae indicates that this missense variant is not expected to disrupt HOXB13 protein function with a negative predictive value of 80%. In summary, the available evidence is currently insufficient to determine the role of this variant in disease. Therefore, it has been classified as a Variant of Uncertain Significance.

NM_006361.6(HOXB13):c.785T>C (p.Ile262Thr)

Gene: HOXB13 (homeobox B13; minus strand). Cytogenetic location: 17q21.32.
Variant type: single nucleotide variant.
Coding change: c.785T>C on transcript NM_006361.6 (MANE Select); coding-DNA position 785, T replaced by C.
Protein change: p.Ile262Thr; replaces isoleucine 262 with threonine.
Molecular consequence: missense variant.
Genome position (GRCh38, 1-based): chr17:48,726,860, A>G on the plus strand (T>C on the coding strand, the complement: HOXB13 is on the minus strand). VCF-style: chr17-48726860-A-G. GRCh37 (hg19) VCF-style: chr17-46804222-A-G.
Other names: c.785T>C (NM_006361.5); short protein forms I262T.
Identifiers: ClinVar variation 1383323 (VCV001383323.9), dbSNP rs2143065792, ClinGen allele CA400105754.
Genomic context (GRCh38, chr17:48,726,860, plus strand): 5'-GCGCTGTTCTTCACCTTGGCGAGAACCTTCTTCTCTTTGACCCGGCGGTTCTGAAACCAG[A>G]TGGTAATCTGGCGCTCCGAGAGGCTGGTGGCTGCCGAGATCTTGCGCCTCTTGTCCTTGG-3'
Protein context (NP_006352.2, residues 252-272): ATSLSERQIT[Ile262Thr]WFQNRRVKEK